The following is an entry in ClinVar:

ClinVar aggregate classification (germline): Likely benign (1 of 4 stars; one submission).

Allele frequency attached by ClinVar (database versions not stated): 1000 Genomes Project 30x 0.00016; 1000 Genomes Project 0.00020; gnomAD 0.00072; ExAC 0.00074; ESP Exome Variant Server 0.00085; TOPMed 0.00091.
gnomAD v4.1: 834 of 1,614,188 alleles (0.052%); highest among the groups gnomAD compares: Admixed American, 0.12%; 5 homozygotes.

Submission:

CeGaT Center for Human Genetics Tuebingen
Classification: Likely benign. Last evaluated: 2023-03-01. Review status: criteria provided, single submitter. Criteria: CeGaT Center For Human Genetics Tuebingen Variant Classification Criteria Version 2. Collection method: clinical testing. Allele origin: germline. Affected: yes. Observed: 2 variant alleles.
Comment: DENND3: BP4, BP7

NM_001352890.3(DENND3):c.1050C>T (p.Leu350=)

Gene: DENND3 (DENN domain containing 3; plus strand). Cytogenetic location: 8q24.3.
Variant type: single nucleotide variant.
Coding change: c.1050C>T on transcript NM_001352890.3 (MANE Select); coding-DNA position 1050, C replaced by T.
Protein change: p.Leu350=; no amino-acid change (leucine 350 retained).
Molecular consequence: synonymous variant. On other transcripts: non-coding transcript variant (1).
Genome position (GRCh38, 1-based): chr8:141,151,813, C>T. VCF-style: chr8-141151813-C-T. GRCh37 (hg19) VCF-style: chr8-142161912-C-T.
Other names: c.1050C>T, p.Leu350= (NM_001362798.2); c.849C>T, p.Leu283= (NM_014957.5).
Identifiers: ClinVar variation 2658870 (VCV002658870.24), dbSNP rs142459324, ClinGen allele CA4896467.